The following is an entry in ClinVar:

ClinVar aggregate classification (germline): Uncertain significance (1 of 4 stars; one submission).

Conditions:
Early Myoclonic Encephalopathy. Identifiers: MedGen C0270855.

Submission:

Labcorp Genetics (formerly Invitae), Labcorp
Classification: Uncertain significance for Early Myoclonic Encephalopathy. Last evaluated: 2023-11-27. Review status: criteria provided, single submitter. Criteria: Invitae Variant Classification Sherloc (09022015). Collection method: clinical testing. Allele origin: germline.
Comment: This sequence change replaces proline, which is neutral and non-polar, with leucine, which is neutral and non-polar, at codon 1319 of the JMJD1C protein (p.Pro1319Leu). This variant is not present in population databases (gnomAD no frequency). This variant has not been reported in the literature in individuals affected with JMJD1C-related conditions. Advanced modeling of protein sequence and biophysical properties (such as structural, functional, and spatial information, amino acid conservation, physicochemical variation, residue mobility, and thermodynamic stability) performed at Invitae indicates that this missense variant is not expected to disrupt JMJD1C protein function with a negative predictive value of 80%. In summary, the available evidence is currently insufficient to determine the role of this variant in disease. Therefore, it has been classified as a Variant of Uncertain Significance.

NM_032776.3(JMJD1C):c.3956C>T (p.Pro1319Leu)

Gene: JMJD1C (jumonji domain containing 1C; minus strand). Cytogenetic location: 10q21.3.
Variant type: single nucleotide variant.
Coding change: c.3956C>T on transcript NM_032776.3 (MANE Select); coding-DNA position 3956, C replaced by T.
Protein change: p.Pro1319Leu; replaces proline 1319 with leucine.
Molecular consequence: missense variant. On other transcripts: non-coding transcript variant (1).
Genome position (GRCh38, 1-based): chr10:63,207,713, G>A on the plus strand (C>T on the coding strand, the complement: JMJD1C is on the minus strand). VCF-style: chr10-63207713-G-A. GRCh37 (hg19) VCF-style: chr10-64967473-G-A.
Other names: c.3410C>T, p.Pro1137Leu (NM_001282948.2, NM_001318154.2); c.3092C>T, p.Pro1031Leu (NM_001318153.2); c.3842C>T, p.Pro1281Leu (NM_001322252.2); c.3299C>T, p.Pro1100Leu (NM_001322254.2, NM_001322258.2); short protein forms P1100L, P1319L, P1031L, P1281L, P1137L.
Identifiers: ClinVar variation 2783410 (VCV002783410.3), dbSNP rs2492681891, ClinGen allele CA377039638.